The following is an entry in ClinVar:

NM_020928.2(ZSWIM6):c.3382G>A (p.Gly1128Ser)

Gene: ZSWIM6 (zinc finger SWIM-type containing 6; plus strand). Cytogenetic location: 5q12.1.
Variant type: single nucleotide variant.
Coding change: c.3382G>A on transcript NM_020928.2 (MANE Select); coding-DNA position 3382, G replaced by A.
Protein change: p.Gly1128Ser; replaces glycine 1128 with serine.
Molecular consequence: missense variant.
Genome position (GRCh38, 1-based): chr5:61,544,051, G>A. VCF-style: chr5-61544051-G-A. GRCh37 (hg19) VCF-style: chr5-60839878-G-A.
Other names: short protein forms G1128S.
Identifiers: ClinVar variation 2997818 (VCV002997818.3), dbSNP rs533790571, ClinGen allele CA3278525.

ClinVar aggregate classification (germline): Uncertain significance (1 of 4 stars; one submission).

Allele frequency attached by ClinVar (database versions not stated): gnomAD 0.00001; gnomAD exomes 0.00002; ExAC 0.00004; 1000 Genomes Project 30x 0.00016; 1000 Genomes Project 0.00020.
gnomAD v4.1: 28 of 1,552,060 alleles (0.0018%); highest among the groups gnomAD compares: South Asian, 0.03%; no homozygotes.

Submission:

Labcorp Genetics (formerly Invitae), Labcorp
Classification: Uncertain significance. Last evaluated: 2023-09-12. Review status: criteria provided, single submitter. Criteria: Invitae Variant Classification Sherloc (09022015). Collection method: clinical testing. Allele origin: germline.
Comment: In summary, the available evidence is currently insufficient to determine the role of this variant in disease. Therefore, it has been classified as a Variant of Uncertain Significance. Advanced modeling of protein sequence and biophysical properties (such as structural, functional, and spatial information, amino acid conservation, physicochemical variation, residue mobility, and thermodynamic stability) performed at Invitae indicates that this missense variant is not expected to disrupt ZSWIM6 protein function. This variant has not been reported in the literature in individuals affected with ZSWIM6-related conditions. This variant is present in population databases (rs533790571, gnomAD 0.02%). This sequence change replaces glycine, which is neutral and non-polar, with serine, which is neutral and polar, at codon 1128 of the ZSWIM6 protein (p.Gly1128Ser).